The following is an entry in ClinVar:

NM_000138.5(FBN1):c.985A>G (p.Ile329Val)

Gene: FBN1 (fibrillin 1; minus strand). Cytogenetic location: 15q21.1.
Variant type: single nucleotide variant.
Coding change: c.985A>G on transcript NM_000138.5 (MANE Select); coding-DNA position 985, A replaced by G.
Protein change: p.Ile329Val; replaces isoleucine 329 with valine.
Molecular consequence: missense variant.
Genome position (GRCh38, 1-based): chr15:48,526,133, T>C on the plus strand (A>G on the coding strand, the complement: FBN1 is on the minus strand). VCF-style: chr15-48526133-T-C. GRCh37 (hg19) VCF-style: chr15-48818330-T-C.
Other names: NM_000138.4(FBN1):c.985A>G; p.Ile329Val; short protein forms I329V.
Identifiers: ClinVar variation 549475 (VCV000549475.20), dbSNP rs370955295, ClinGen allele CA269566885.

ClinVar aggregate classification (germline): Likely benign. Review status: reviewed by expert panel (3 of 4 stars). 8 submissions from 8 submitters: Likely benign (1). 7 of the submissions do not count toward it. Last evaluated 2023-02-01.

Conditions:
Familial thoracic aortic aneurysm and aortic dissection (TAAD). Also called: Thoracic aortic aneurysms and dissections. Identifiers: Orphanet 91387, MedGen C4707243, MONDO:0019625.
Marfan syndrome (MFS). Also called: Marfan syndrome type 1; Marfan syndrome, classic; Marfan's syndrome; FBN1-Related Marfan Syndrome; MARFAN SYNDROME, TYPE I. Identifiers: Orphanet 284963, Orphanet 558, MedGen C0024796, MONDO:0007947, OMIM 154700.

Allele frequency attached by ClinVar (database versions not stated): gnomAD 0.00004 and 0.00005; TOPMed 0.00005; gnomAD exomes 0.00001 and below 0.00001.
gnomAD v4.1: 11 of 1,614,164 alleles (0.00068%); highest among the groups gnomAD compares: African/African-American, 0.013%; no homozygotes.

Submissions (8):

ClinGen FBN1 Variant Curation Expert Panel, ClinGen
Classification: Likely benign for Marfan syndrome. Last evaluated: 2023-02-01. Review status: reviewed by expert panel. Criteria: Assertion Criteria VCEP FBN1 Version 1. Collection method: curation. Allele origin: germline. Inheritance: Autosomal dominant inheritance.
Comment: The NM_000138 c.985A>G, is a missense variant in FBN1 predicted to cause a substitution of an isoleucine by a valine at amino acid 329 (p.Ile329Val). This variant has been reported three times in ClinVar: twice as uncertain significance and once as likely benign (Variation ID: 549475). This variant has been identified in 4 individuals of African origin (MAF: 0.02%) (BS1;, version 2.1.1). Computational prediction tools and conservation analysis suggests no impact on the protein (REVEL: 0.274) (BP4). The constraint z-score for missense variants affecting FBN1 is 5.06, however due to the presence of two benign arguments PP2 cannot be used. In summary, this variant meets criteria to be classified as likely benign for Marfan syndrome based on the ACMG/AMP criteria applied, as specified by the ClinGen FBN1 VCEP: BS1, BP4.

Ambry Genetics
Classification: Uncertain significance for Familial thoracic aortic aneurysm and aortic dissection. Last evaluated: 2026-04-08. Review status: criteria provided, single submitter. Criteria: Ambry Variant Classification Scheme 2023. Collection method: clinical testing. Allele origin: germline. Not counted in ClinVar's aggregate classification.
Comment: The c.985A>G (p.I329V) alteration is located in exon 9 (coding exon 8) of the FBN1 gene. This alteration results from a A to G substitution at nucleotide position 985, causing the isoleucine (I) at amino acid position 329 to be replaced by a valine (V). Based on data from gnomAD, the G allele has an overall frequency of 0.001% (4/282802) total alleles studied. The highest observed frequency was 0.016% (4/24964) of African alleles. Based on insufficient or conflicting evidence, the clinical significance of this alteration remains unclear.

Labcorp Genetics (formerly Invitae), Labcorp
Classification: Benign for Marfan syndrome; Familial thoracic aortic aneurysm and aortic dissection. Last evaluated: 2025-10-01. Review status: criteria provided, single submitter. Criteria: Invitae Variant Classification Sherloc (09022015). Collection method: clinical testing. Allele origin: germline. Not counted in ClinVar's aggregate classification.

Women's Health and Genetics/Laboratory Corporation of America, LabCorp
Classification: Likely benign. Last evaluated: 2025-05-16. Review status: criteria provided, single submitter. Criteria: LabCorp Variant Classification Summary - May 2015. Collection method: clinical testing. Allele origin: germline. Not counted in ClinVar's aggregate classification.
Comment: Variant summary: FBN1 c.985A>G (p.Ile329Val) results in a conservative amino acid change in the encoded protein sequence. Algorithms developed to predict the effect of missense changes on protein structure and function are either unavailable or do not agree on the potential impact of this missense change. The variant allele was found at a frequency of 6.8e-06 in 1614164 control chromosomes, predominantly at a frequency of 0.00013 within the African or African-American subpopulation in the gnomAD database. The observed variant frequency within African or African-American control individuals in the gnomAD database is approximately 1.16 fold of the estimated maximal expected allele frequency for a pathogenic variant in FBN1 causing Aortopathy phenotype (0.00011). To our knowledge, no occurrence of c.985A>G in individuals affected with FBN1-related conditions and no experimental evidence demonstrating its impact on protein function have been reported. ClinVar contains an entry for this variant (Variation ID: 549475). Based on the evidence outlined above, the variant was classified as likely benign.

All of Us Research Program, National Institutes of Health
Classification: Likely benign for Marfan syndrome. Last evaluated: 2024-08-23. Review status: criteria provided, single submitter. Criteria: ACMG Guidelines, 2015. Collection method: clinical testing. Allele origin: germline. Inheritance: Autosomal dominant inheritance. Observed: 2 variant alleles, 2 heterozygotes. Not counted in ClinVar's aggregate classification.
Comment: This study involves interpretation of variants in research participants for the purpose of population health screening. Participant phenotype was not available at the time of variant classification. Additional details can be found in publication PMID: 35346344, PMCID: PMC8962531

Color Diagnostics, LLC DBA Color Health
Classification: Likely benign for Familial thoracic aortic aneurysm and aortic dissection. Last evaluated: 2024-05-11. Review status: criteria provided, single submitter. Criteria: ACMG Guidelines, 2015. Collection method: clinical testing. Allele origin: germline. Not counted in ClinVar's aggregate classification.

GeneDx
Classification: Likely benign. Last evaluated: 2023-11-07. Review status: criteria provided, single submitter. Criteria: GeneDx Variant Classification Process June 2021. Collection method: clinical testing. Allele origin: germline. Affected: yes. Not counted in ClinVar's aggregate classification.
Comment: See Variant Classification Assertion Criteria.

Center for Medical Genetics Ghent, University of Ghent
Classification: Likely benign for Marfan syndrome. Last evaluated: 2017-11-07. Review status: no assertion criteria provided. Collection method: clinical testing. Allele origin: germline. Affected: yes. Not counted in ClinVar's aggregate classification.